The following is an entry in ClinVar:

NM_001037283.2(EIF3B):c.1357-16C>T

Gene: EIF3B (eukaryotic translation initiation factor 3 subunit B; plus strand). Cytogenetic location: 7p22.3.
Variant type: single nucleotide variant.
Coding change: c.1357-16C>T on transcript NM_001037283.2 (MANE Select); 16 bases into the intron before coding-DNA position 1357, C replaced by T.
Molecular consequence: intron variant.
Genome position (GRCh38, 1-based): chr7:2,366,983, C>T. VCF-style: chr7-2366983-C-T. GRCh37 (hg19) VCF-style: chr7-2406618-C-T.
Other names: c.1357-16C>T (NM_003751.4, NM_001362791.2); c.541-16C>T (NM_001362792.2, NM_001362793.2).
Identifiers: ClinVar variation 4854233 (VCV004854233.1).

ClinVar aggregate classification (germline): Uncertain significance (1 of 4 stars; one submission).

Conditions:
EIF3B-related disorder.

Submission:

3billion
Classification: Uncertain significance for EIF3B-related disorder. Last evaluated: 2026-01-19. Review status: criteria provided, single submitter. Criteria: ACMG Guidelines, 2015. Collection method: clinical testing. Allele origin: germline. Affected: yes.
Comment: The variant is not observed in the gnomAD v4.1.0 dataset. Predicted Consequence/Location: Intron variant In silico tools predict the variant to alter splicing and produce an abnormal transcript [SpliceAI: 0.39 (>=0.2, moderate evidence for spliceogenicity)]. Therefore, this variant is classified as VUS according to the recommendation of ACMG/AMP guideline.